The following is an entry in ClinVar:

NM_182914.3(SYNE2):c.11550C>A (p.Asp3850Glu)

Gene: SYNE2 (spectrin repeat containing nuclear envelope protein 2; plus strand). Cytogenetic location: 14q23.2.
Variant type: single nucleotide variant.
Coding change: c.11550C>A on transcript NM_182914.3 (MANE Select); coding-DNA position 11550, C replaced by A.
Protein change: p.Asp3850Glu; replaces aspartic acid 3850 with glutamic acid.
Molecular consequence: missense variant.
Genome position (GRCh38, 1-based): chr14:64,087,736, C>A. VCF-style: chr14-64087736-C-A. GRCh37 (hg19) VCF-style: chr14-64554454-C-A.
Other names: c.11550C>A, p.Asp3850Glu (NM_015180.6); short protein forms D3850E.
Identifiers: ClinVar variation 313560 (VCV000313560.5), dbSNP rs146261323, ClinGen allele CA7221849.

ClinVar aggregate classification (germline): Likely benign (1 of 4 stars; one submission).

Conditions:
Emery-Dreifuss muscular dystrophy 5, autosomal dominant (EDMD5). Also called: EMERY-DREIFUSS MUSCULAR DYSTROPHY 5. Identifiers: Orphanet 261, MedGen C2751805, MONDO:0013072, OMIM 612999.

Allele frequency attached by ClinVar (database versions not stated): TOPMed 0.00013; 1000 Genomes Project 30x 0.00016; 1000 Genomes Project 0.00020.
gnomAD v4.1: 376 of 1,614,038 alleles (0.023%); highest among the groups gnomAD compares: Non-Finnish European, 0.032%; no homozygotes.

Submission:

Illumina Laboratory Services, Illumina
Classification: Likely benign for Emery-Dreifuss muscular dystrophy 5, autosomal dominant. Last evaluated: 2018-01-13. Review status: criteria provided, single submitter. Criteria: ICSL Variant Classification Criteria 13 December 2019. Collection method: clinical testing. Allele origin: germline.
Comment: This variant was observed in the ICSL laboratory as part of a predisposition screen in an ostensibly healthy population. It had not been previously curated by ICSL or reported in the Human Gene Mutation Database (HGMD: prior to June 1st, 2018), and was therefore a candidate for classification through an automated scoring system. Utilizing variant allele frequency, disease prevalence and penetrance estimates, and inheritance mode, an automated score was calculated to assess if this variant is too frequent to cause the disease. Based on the score and internal cut-off values, a variant classified as likely benign is not then subjected to further curation. The score for this variant resulted in a classification of likely benign for this disease.